The following is an entry in ClinVar:

ClinVar aggregate classification (germline): Uncertain significance. Review status: criteria provided, multiple submitters, no conflicts (2 of 4 stars). 2 submissions from 2 submitters: Uncertain significance (2). Last evaluated 2024-02-24.

Allele frequency attached by ClinVar (database versions not stated): ExAC 0.00002.
gnomAD v4.1: 18 of 1,613,826 alleles (0.0011%); highest among the groups gnomAD compares: Non-Finnish European, 0.0015%; no homozygotes.

Submissions (2):

Labcorp Genetics (formerly Invitae), Labcorp
Classification: Uncertain significance. Last evaluated: 2024-02-24. Review status: criteria provided, single submitter. Criteria: Invitae Variant Classification Sherloc (09022015). Collection method: clinical testing. Allele origin: germline.
Comment: This sequence change replaces isoleucine, which is neutral and non-polar, with methionine, which is neutral and non-polar, at codon 1193 of the ABCA3 protein (p.Ile1193Met). This variant is present in population databases (rs776945931, gnomAD 0.004%). This missense change has been observed in individual(s) with ABCA3-related conditions (PMID: 27516224). ClinVar contains an entry for this variant (Variation ID: 2137767). Advanced modeling of protein sequence and biophysical properties (such as structural, functional, and spatial information, amino acid conservation, physicochemical variation, residue mobility, and thermodynamic stability) performed at Invitae indicates that this missense variant is expected to disrupt ABCA3 protein function with a positive predictive value of 80%. In summary, the available evidence is currently insufficient to determine the role of this variant in disease. Therefore, it has been classified as a Variant of Uncertain Significance.

Women's Health and Genetics/Laboratory Corporation of America, LabCorp
Classification: Uncertain significance. Last evaluated: 2023-05-01. Review status: criteria provided, single submitter. Criteria: LabCorp Variant Classification Summary - May 2015. Collection method: clinical testing. Allele origin: germline.
Comment: Variant summary: ABCA3 c.3579C>G (p.Ile1193Met) results in a conservative amino acid change in the encoded protein sequence. Four of five in-silico tools predict a damaging effect of the variant on protein function. The variant allele was found at a frequency of 1.6e-05 in 250866 control chromosomes (gnomAD). The available data on variant occurrences in the general population are insufficient to allow any conclusion about variant significance. c.3579C>G has been reported in the literature in the compound heterozygous state in an individual affected with diffuse parenchymal lung disease. This report does not provide unequivocal conclusions about association of the variant with pulmonary surfactant metabolism dysfunction. To our knowledge, no experimental evidence demonstrating an impact on protein function has been reported. The following publication has been ascertained in the context of this evaluation (PMID: 27516224). One clinical diagnostic laboratory has submitted a clinical-significance assessment for this variant to ClinVar after 2014 and classified the variant as uncertain significance. Based on the evidence outlined above, the variant was classified as uncertain significance.

Literature cited by the submitters: PubMed 27516224 (cited by Labcorp Genetics (formerly Invitae), Labcorp and Women's Health and Genetics/Laboratory Corporation of America, LabCorp).

NM_001089.3(ABCA3):c.3579C>G (p.Ile1193Met)

Gene: ABCA3 (ATP binding cassette subfamily A member 3; minus strand). Cytogenetic location: 16p13.3.
Variant type: single nucleotide variant.
Coding change: c.3579C>G on transcript NM_001089.3 (MANE Select); coding-DNA position 3579, C replaced by G.
Protein change: p.Ile1193Met; replaces isoleucine 1193 with methionine.
Molecular consequence: missense variant.
Genome position (GRCh38, 1-based): chr16:2,284,903, G>C on the plus strand (C>G on the coding strand, the complement: ABCA3 is on the minus strand). VCF-style: chr16-2284903-G-C. GRCh37 (hg19) VCF-style: chr16-2334904-G-C.
Other names: c.3579C>G (NM_001089.2); short protein forms I1193M.
Identifiers: ClinVar variation 2137767 (VCV002137767.4), dbSNP rs776945931, ClinGen allele CA7840455.